The following is an entry in ClinVar:

ClinVar aggregate classification (germline): Pathogenic. Review status: criteria provided, multiple submitters, no conflicts (2 of 4 stars). 6 submissions from 6 submitters: Pathogenic (5). 1 of the submissions does not count toward it. Last evaluated 2025-02-20.

Conditions:
SH3BP2-related disorder. Also called: SH3BP2-related condition.
Fibrous dysplasia of jaw (CRBM). Also called: Cherubism. Identifiers: Orphanet 184, MedGen C0008029, MONDO:0007315, OMIM 118400.

Submissions (6):

Labcorp Genetics (formerly Invitae), Labcorp
Classification: Pathogenic for Fibrous dysplasia of jaw. Last evaluated: 2025-02-20. Review status: criteria provided, single submitter. Criteria: Invitae Variant Classification Sherloc (09022015). Collection method: clinical testing. Allele origin: germline.
Comment: This sequence change replaces proline, which is neutral and non-polar, with arginine, which is basic and polar, at codon 418 of the SH3BP2 protein (p.Pro418Arg). This variant is not present in population databases (gnomAD no frequency). This missense change has been observed in individual(s) with cherubism (PMID: 11381256, 14577811, 18596838, 30236129). ClinVar contains an entry for this variant (Variation ID: 7548). Invitae Evidence Modeling of protein sequence and biophysical properties (such as structural, functional, and spatial information, amino acid conservation, physicochemical variation, residue mobility, and thermodynamic stability) has been performed for this missense variant. However, the output from this modeling did not meet the statistical confidence thresholds required to predict the impact of this variant on SH3BP2 protein function. Experimental studies have shown that this missense change affects SH3BP2 function (PMID: 21794028, 22153076, 22153077, 24916406, 25144740). This variant disrupts the p.Pro418 amino acid residue in SH3BP2. Other variant(s) that disrupt this residue have been determined to be pathogenic (PMID: 17321449, 23298620, 28644570). This suggests that this residue is clinically significant, and that variants that disrupt this residue are likely to be disease-causing. For these reasons, this variant has been classified as Pathogenic.

Molecular Genetics, Royal Melbourne Hospital
Classification: Pathogenic for Fibrous dysplasia of jaw. Last evaluated: 2022-07-01. Review status: criteria provided, single submitter. Criteria: ACMG Guidelines, 2015. Collection method: clinical testing. Allele origin: germline. Affected: yes.
Comment: This sequence change in SH3BP2 is predicted to replace proline with arginine at codon 418, p.(Pro418Arg). The proline residue is highly conserved (100 vertebrates, UCSC), and is located within the RSPPDG peptide sequence lying between the PH and SH2 domains, amino acids 415-420, which is defined as a mutational hotspot (PMID: 22640988). There is a large physicochemical difference between proline and arginine. This variant is absent from gnomAD v2.1 and v3.1. This is the most commonly reported variant in families with a clinical diagnosis of Cherubism (PMID: 11381256, 22640988, 30236129). Functional assays demonstrate that the variant causes a gain-of-function by increasing the interaction with specific signalling molecules and a homozygous Sh3bp2 Pro416Arg knock-in mouse model recapitulates the human cherubism phenotype (PMID: 17218256, 20117257, 21794028). Multiple lines of computational evidence predict a deleterious effect for the missense substitution (5/5 algorithms). Based on the classification scheme RMH Modified ACMG Guidelines v1.5.1, this variant is classified as PATHOGENIC. Following criteria are met: PS3, PS4, PM1, PM2_Supporting, PP3.

GeneDx
Classification: Pathogenic. Last evaluated: 2021-10-22. Review status: criteria provided, single submitter. Criteria: GeneDx Variant Classification Process June 2021. Collection method: clinical testing. Allele origin: germline. Affected: yes.
Comment: Published functional studies demonstrate P418R causes gain of function by increasing interaction of B cells with specific signaling molecules (Lietman et al., 2006; Levaot et al., 2011; Ogi et al., 2011; Mukai et al., 2014); Not observed at significant frequency in large population cohorts (Lek et al., 2016); In silico analysis supports that this missense variant has a deleterious effect on protein structure/function; This variant is associated with the following publications: (PMID: 22153077, 24916406, 21794028, 25144740, 16786512, 20691350, 11381256, 18596838, 14577811, 29669173, 30236129, 28904407, 22153076, 27498064)

Blueprint Genetics
Classification: Pathogenic for SH3BP2-related disorders. Last evaluated: 2019-08-02. Review status: criteria provided, single submitter. Criteria: ACMG Guidelines, 2015. Collection method: clinical testing. Allele origin: germline. Affected: yes. Observed: 1 variant allele.

Eurofins Ntd Llc (ga)
Classification: Pathogenic. Last evaluated: 2016-01-26. Review status: criteria provided, single submitter. Criteria: EGL Classification Definitions 2015. Collection method: clinical testing. Allele origin: germline.

OMIM
Classification: Pathogenic for CHERUBISM. Last evaluated: 2001-06-01. Review status: no assertion criteria provided. Collection method: literature only. Allele origin: germline. Not counted in ClinVar's aggregate classification.

Literature cited by the submitters: PubMed 11381256 (cited by 4 submitters); PubMed 14577811 (cited by Labcorp Genetics (formerly Invitae), Labcorp); PubMed 18596838 (cited by Labcorp Genetics (formerly Invitae), Labcorp); PubMed 30236129 (cited by Labcorp Genetics (formerly Invitae), Labcorp and Molecular Genetics, Royal Melbourne Hospital); PubMed 21794028 (cited by Labcorp Genetics (formerly Invitae), Labcorp and Molecular Genetics, Royal Melbourne Hospital); PubMed 22153076 (cited by Labcorp Genetics (formerly Invitae), Labcorp); PubMed 22153077 (cited by Labcorp Genetics (formerly Invitae), Labcorp and Eurofins Ntd Llc (ga)); PubMed 24916406 (cited by Labcorp Genetics (formerly Invitae), Labcorp); PubMed 25144740 (cited by Labcorp Genetics (formerly Invitae), Labcorp); PubMed 17321449 (cited by Labcorp Genetics (formerly Invitae), Labcorp); PubMed 23298620 (cited by Labcorp Genetics (formerly Invitae), Labcorp); PubMed 28644570 (cited by Labcorp Genetics (formerly Invitae), Labcorp); PubMed 17218256 (cited by Molecular Genetics, Royal Melbourne Hospital); PubMed 20117257 (cited by Molecular Genetics, Royal Melbourne Hospital); PubMed 22640988 (cited by Molecular Genetics, Royal Melbourne Hospital); PubMed 16786512 (cited by Eurofins Ntd Llc (ga)).

NM_001122681.2(SH3BP2):c.1253C>G (p.Pro418Arg)

Gene: SH3BP2 (SH3 domain binding protein 2; plus strand). Cytogenetic location: 4p16.3.
Variant type: single nucleotide variant.
Coding change: c.1253C>G on transcript NM_001122681.2 (MANE Select); coding-DNA position 1253, C replaced by G.
Protein change: p.Pro418Arg; replaces proline 418 with arginine.
Molecular consequence: missense variant.
Genome position (GRCh38, 1-based): chr4:2,831,582, C>G. VCF-style: chr4-2831582-C-G. GRCh37 (hg19) VCF-style: chr4-2833309-C-G.
Other names: c.1337C>G, p.Pro446Arg (NM_001145855.2, LRG_1334t2); c.1424C>G, p.Pro475Arg (NM_001145856.2); c.1253C>G, p.Pro418Arg (NM_003023.4, LRG_1334t1); short protein forms P418R, P446R, P475R.
Identifiers: ClinVar variation 7548 (VCV000007548.17), dbSNP rs121909146, ClinGen allele CA254207.